The following is an entry in ClinVar:

ClinVar aggregate classification (germline): Uncertain significance (1 of 4 stars; one submission).

gnomAD v4.1: 1 of 1,612,314 alleles (0.000062%); highest among the groups gnomAD compares: Non-Finnish European, 0.000085%; no homozygotes.

Submission:

GeneDx
Classification: Uncertain significance. Last evaluated: 2024-12-18. Review status: criteria provided, single submitter. Criteria: GeneDx Variant Classification Process June 2021. Collection method: clinical testing. Allele origin: germline. Affected: yes.
Comment: In silico analysis indicates that this missense variant does not alter protein structure/function; Has not been previously published as pathogenic or benign to our knowledge

NM_020338.4(ZMIZ1):c.724C>T (p.Pro242Ser)

Gene: ZMIZ1 (zinc finger MIZ-type containing 1; plus strand). Cytogenetic location: 10q22.3.
Variant type: single nucleotide variant.
Coding change: c.724C>T on transcript NM_020338.4 (MANE Select); coding-DNA position 724, C replaced by T.
Protein change: p.Pro242Ser; replaces proline 242 with serine.
Molecular consequence: missense variant.
Genome position (GRCh38, 1-based): chr10:79,291,142, C>T. VCF-style: chr10-79291142-C-T. GRCh37 (hg19) VCF-style: chr10-81050899-C-T.
Other names: short protein forms P242S.
Identifiers: ClinVar variation 3906670 (VCV003906670.1).